The following is an entry in ClinVar:

NM_000254.3(MTR):c.*112A>C

Gene: MTR (5-methyltetrahydrofolate-homocysteine methyltransferase; plus strand). Cytogenetic location: 1q43.
Variant type: single nucleotide variant.
Coding change: c.*112A>C on transcript NM_000254.3 (MANE Select); 112 bases downstream of the stop codon, A replaced by C.
Molecular consequence: 3 prime UTR variant.
Genome position (GRCh38, 1-based): chr1:236,897,756, A>C. VCF-style: chr1-236897756-A-C. GRCh37 (hg19) VCF-style: chr1-237061056-A-C.
Other names: c.*112A>C (NM_001291939.1, NM_001291940.2).
Identifiers: ClinVar variation 296587 (VCV000296587.9), dbSNP rs2853522, ClinGen allele CA10609473.

ClinVar aggregate classification (germline): Benign. Review status: criteria provided, multiple submitters, no conflicts (2 of 4 stars). 3 submissions from 3 submitters: Benign (3). Last evaluated 2018-06-29.

Conditions:
Disorders of Intracellular Cobalamin Metabolism. Identifiers: MedGen CN043592.

Allele frequency attached by ClinVar (database versions not stated): 1000 Genomes Project 30x 0.53966; 1000 Genomes Project 0.54014; TOPMed 0.55238.
gnomAD v4.1: 530,848 of 898,370 alleles (59%); highest among the groups gnomAD compares: South Asian, 63%; 159,048 homozygotes.

Submissions (3):

GeneDx
Classification: Benign. Last evaluated: 2018-06-29. Review status: criteria provided, single submitter. Criteria: GeneDx Variant Classification Process June 2021. Collection method: clinical testing. Allele origin: germline. Affected: yes.

Illumina Laboratory Services, Illumina
Classification: Benign for Disorders of Intracellular Cobalamin Metabolism. Last evaluated: 2018-01-13. Review status: criteria provided, single submitter. Criteria: ICSL Variant Classification Criteria 13 December 2019. Collection method: clinical testing. Allele origin: germline.
Comment: This variant was observed in the ICSL laboratory as part of a predisposition screen in an ostensibly healthy population. It had not been previously curated by ICSL or reported in the Human Gene Mutation Database (HGMD: prior to June 1st, 2018), and was therefore a candidate for classification through an automated scoring system. Utilizing variant allele frequency, disease prevalence and penetrance estimates, and inheritance mode, an automated score was calculated to assess if this variant is too frequent to cause the disease. Based on the score and internal cut-off values, a variant classified as benign is not then subjected to further curation. The score for this variant resulted in a classification of benign for this disease.

Breakthrough Genomics
Classification: Benign. Review status: criteria provided, single submitter. Criteria: ACMG Guidelines, 2015. Collection method: not provided. Allele origin: germline. Inheritance: Autosomal recessive inheritance. Affected: yes.